The following is an entry in ClinVar:

NM_001098511.3(KIF2A):c.1301G>A (p.Arg434Gln)

Gene: KIF2A (kinesin family member 2A; plus strand). Cytogenetic location: 5q12.1.
Variant type: single nucleotide variant.
Coding change: c.1301G>A on transcript NM_001098511.3 (MANE Select); coding-DNA position 1301, G replaced by A.
Protein change: p.Arg434Gln; replaces arginine 434 with glutamine.
Molecular consequence: missense variant.
Genome position (GRCh38, 1-based): chr5:62,363,733, G>A. VCF-style: chr5-62363733-G-A. GRCh37 (hg19) VCF-style: chr5-61659560-G-A.
Other names: c.1220G>A, p.Arg407Gln (NM_001243952.2); c.1244G>A, p.Arg415Gln (NM_001243953.2); c.1301G>A, p.Arg434Gln (NM_004520.5); short protein forms R407Q, R415Q, R434Q.
Identifiers: ClinVar variation 4728944 (VCV004728944.1).

ClinVar aggregate classification (germline): Uncertain significance (1 of 4 stars; one submission).

Submission:

Labcorp Genetics (formerly Invitae), Labcorp
Classification: Uncertain significance. Last evaluated: 2025-10-11. Review status: criteria provided, single submitter. Criteria: Invitae Variant Classification Sherloc (09022015). Collection method: clinical testing. Allele origin: germline.
Comment: This sequence change replaces arginine, which is basic and polar, with glutamine, which is neutral and polar, at codon 434 of the KIF2A protein (p.Arg434Gln). This variant is not present in population databases (gnomAD no frequency). This variant has not been reported in the literature in individuals affected with KIF2A-related conditions. An algorithm developed to predict the effect of missense changes on protein structure and function (PolyPhen-2) suggests that this variant is likely to be disruptive. In summary, the available evidence is currently insufficient to determine the role of this variant in disease. Therefore, it has been classified as a Variant of Uncertain Significance.